The following is an entry in ClinVar:

ClinVar aggregate classification (germline): Benign/Likely benign. Review status: criteria provided, multiple submitters, no conflicts (2 of 4 stars). 5 submissions from 5 submitters: Benign (2); Likely benign (2). 1 of the submissions does not count toward it. Last evaluated 2026-02-03.

Conditions:
Congenital myasthenic syndrome 8. Also called: Myasthenic syndrome, congenital, 8, with pre- and postsynaptic defects; MYASTHENIC SYNDROME, CONGENITAL, DUE TO AGRIN DEFICIENCY. Identifiers: Orphanet 590, MedGen C3808739, MONDO:0014052, OMIM 615120.

Allele frequency attached by ClinVar (database versions not stated): ExAC 0.00355; ESP Exome Variant Server 0.00662; gnomAD 0.00750 and 0.00799; 1000 Genomes Project 0.00779; TOPMed 0.00824; 1000 Genomes Project 30x 0.00859.
gnomAD v4.1: 2,246 of 1,545,014 alleles (0.15%); highest among the groups gnomAD compares: African/African-American, 2.7%; 19 homozygotes.

Submissions (5):

Labcorp Genetics (formerly Invitae), Labcorp
Classification: Likely benign for Congenital myasthenic syndrome 8. Last evaluated: 2026-02-03. Review status: criteria provided, single submitter. Criteria: Invitae Variant Classification Sherloc (09022015). Collection method: clinical testing. Allele origin: germline.

GeneDx
Classification: Benign. Last evaluated: 2018-03-13. Review status: criteria provided, single submitter. Criteria: GeneDx Variant Classification (06012015). Collection method: clinical testing. Allele origin: germline. Affected: yes.
Comment: This variant is considered likely benign or benign based on one or more of the following criteria: it is a conservative change, it occurs at a poorly conserved position in the protein, it is predicted to be benign by multiple in silico algorithms, and/or has population frequency not consistent with disease.

Breakthrough Genomics
Classification: Likely benign. Review status: criteria provided, single submitter. Criteria: ACMG Guidelines, 2015. Collection method: not provided. Allele origin: germline. Inheritance: Autosomal recessive inheritance. Affected: yes.

PreventionGenetics, part of Exact Sciences
Classification: Benign. Review status: criteria provided, single submitter. Criteria: ACMG Guidelines, 2015. Collection method: clinical testing. Allele origin: germline.

Genetic Services Laboratory, University of Chicago
Classification: Likely benign for AllHighlyPenetrant. Review status: no assertion criteria provided. Collection method: clinical testing. Allele origin: germline. Inheritance: Autosomal recessive inheritance. Not counted in ClinVar's aggregate classification.
Comment: Likely benign based on allele frequency in 1000 Genomes Project or ESP global frequency and its presence in a patient with a rare or unrelated disease phenotype. NOT Sanger confirmed.

NM_198576.4(AGRN):c.3964C>T (p.Arg1322Trp)

Gene: AGRN (agrin; plus strand). Cytogenetic location: 1p36.33.
Variant type: single nucleotide variant.
Coding change: c.3964C>T on transcript NM_198576.4 (MANE Select); coding-DNA position 3964, C replaced by T.
Protein change: p.Arg1322Trp; replaces arginine 1322 with tryptophan.
Molecular consequence: missense variant.
Genome position (GRCh38, 1-based): chr1:1,048,224, C>T. VCF-style: chr1-1048224-C-T. GRCh37 (hg19) VCF-style: chr1-983604-C-T.
Other names: c.3964C>T (LRG_198t1); c.3964C>T, p.Arg1322Trp (NM_001305275.2); c.3649C>T, p.Arg1217Trp (NM_001364727.2); short protein forms R1322W, R1217W.
Identifiers: ClinVar variation 128305 (VCV000128305.20), dbSNP rs184970403, ClinGen allele CA151648.